The following is an entry in ClinVar:

NM_013336.4(SEC61A1):c.811C>T (p.Arg271Cys)

Genes: RUVBL1 (RuvB like AAA ATPase 1; minus strand), SEC61A1 (SEC61 translocon subunit alpha 1; plus strand). Cytogenetic location: 3q21.3.
Variant type: single nucleotide variant.
Coding change: c.811C>T on transcript NM_013336.4 (MANE Select); coding-DNA position 811, C replaced by T.
Protein change: p.Arg271Cys; replaces arginine 271 with cysteine.
Molecular consequence: missense variant. On other transcripts: intron variant (1).
Genome position (GRCh38, 1-based): chr3:128,066,987, C>T. VCF-style: chr3-128066987-C-T. GRCh37 (hg19) VCF-style: chr3-127785830-C-T.
Other names: c.829C>T, p.Arg277Cys (NM_001400328.1); c.652C>T, p.Arg218Cys (NM_001400329.1); c.940-1767G>A (NM_001319086.1); short protein forms R218C, R271C, R277C.
Identifiers: ClinVar variation 2396398 (VCV002396398.3), dbSNP rs1425539176, ClinGen allele CA354399240.
Genomic context (GRCh38, chr3:128,066,987, plus strand): 5'-GGGATTTGGTTCTGTTTGGCTTCTCAGGGCTTCCGAGTGGACCTGCCAATCAAGTCGGCC[C>T]GCTACCGTGGCCAGTACAACACCTATCCCATCAAGCTCTTCTATACGTCCAACATCCCCA-3'
Protein context (NP_037468.1, residues 261-281): FRVDLPIKSA[Arg271Cys]YRGQYNTYPI

ClinVar aggregate classification (germline): Uncertain significance. Review status: criteria provided, multiple submitters, no conflicts (2 of 4 stars). 2 submissions from 2 submitters: Uncertain significance (2). Last evaluated 2025-08-31.

Conditions:
Inborn genetic diseases. Identifiers: MedGen C0950123, MeSH D030342.

gnomAD v4.1: 2 of 1,614,162 alleles (0.00012%); highest among the groups gnomAD compares: Non-Finnish European, 0.00017%; no homozygotes.

Submissions (2):

Labcorp Genetics (formerly Invitae), Labcorp
Classification: Uncertain significance. Last evaluated: 2025-08-31. Review status: criteria provided, single submitter. Criteria: Invitae Variant Classification Sherloc (09022015). Collection method: clinical testing. Allele origin: germline.
Comment: This sequence change replaces arginine, which is basic and polar, with cysteine, which is neutral and slightly polar, at codon 271 of the SEC61A1 protein (p.Arg271Cys). This variant is not present in population databases (gnomAD no frequency). This variant has not been reported in the literature in individuals affected with SEC61A1-related conditions. ClinVar contains an entry for this variant (Variation ID: 2396398). Invitae Evidence Modeling of protein sequence and biophysical properties (such as structural, functional, and spatial information, amino acid conservation, physicochemical variation, residue mobility, and thermodynamic stability) indicates that this missense variant is expected to disrupt SEC61A1 protein function with a positive predictive value of 80%. In summary, the available evidence is currently insufficient to determine the role of this variant in disease. Therefore, it has been classified as a Variant of Uncertain Significance.

Ambry Genetics
Classification: Uncertain significance for Inborn genetic diseases. Last evaluated: 2021-07-20. Review status: criteria provided, single submitter. Criteria: Ambry Variant Classification Scheme 2023. Collection method: clinical testing. Allele origin: germline.